The following is an entry in ClinVar:

ClinVar aggregate classification (germline): Pathogenic. Review status: criteria provided, single submitter (1 of 4 stars). 2 submissions from 2 submitters: Pathogenic (1). 1 of the submissions does not count toward it. Last evaluated 2022-08-30.

Conditions:
Neurofibromatosis, type 1 (NF1). Also called: Neurofibromatosis, type I; NEUROFIBROMATOSIS, TYPE I, SOMATIC; Peripheral type neurofibromatosis; VON RECKLINGHAUSEN DISEASE. Identifiers: Orphanet 636, MedGen C0027831, MONDO:0018975, OMIM 162200. Disease mechanism: loss of function.

Submissions (2):

Institute for Clinical Genetics, University Hospital TU Dresden, University Hospital TU Dresden
Classification: Pathogenic. Last evaluated: 2022-08-30. Review status: criteria provided, single submitter. Criteria: ACMG Guidelines, 2015. Collection method: clinical testing. Allele origin: germline.
Comment: PVS1, PM1, PM2_SUP

Medical Genetics, University of Parma
Classification: Pathogenic for Neurofibromatosis type 1. Last evaluated: 2017-02-02. Review status: no assertion criteria provided. Collection method: clinical testing. Allele origin: germline. Affected: yes. Not counted in ClinVar's aggregate classification.

NM_001042492.3(NF1):c.1400del (p.Thr467fs)

Gene: NF1 (neurofibromin 1; plus strand). Cytogenetic location: 17q11.2.
Variant type: Deletion.
Coding change: c.1400del on transcript NM_001042492.3 (MANE Select); coding-DNA position 1400, one base deleted (C; older notation c.1400delC).
Protein change: p.Thr467fs; shifts the reading frame from threonine 467.
Molecular consequence: frameshift variant.
Genome position (GRCh38, 1-based): chr17:31,214,458, C deleted. VCF-style (leftmost placement, unchanged base first): chr17-31214457-AC-A. GRCh37 (hg19) VCF-style: chr17-29541475-AC-A.
Other names: c.1400delC, p.Thr467Asnfs (NM_000267.4, NM_001042492.2); c.1400del, p.Thr467fs (NM_001128147.3); short protein forms T467fs.
Identifiers: ClinVar variation 431583 (VCV000431583.2), dbSNP rs1135402808, ClinGen allele CA645373086.